The following is an entry in ClinVar:

NM_005591.4(MRE11):c.2071-1G>C

Gene: MRE11 (MRE11 double strand break repair nuclease; minus strand). Cytogenetic location: 11q21.
Variant type: single nucleotide variant.
Coding change: c.2071-1G>C on transcript NM_005591.4 (MANE Select); the canonical splice acceptor site of the intron before coding-DNA position 2071, G replaced by C.
Molecular consequence: splice acceptor variant.
Genome position (GRCh38, 1-based): chr11:94,420,182, C>G on the plus strand (G>C on the coding strand, the complement: MRE11 is on the minus strand). VCF-style: chr11-94420182-C-G. GRCh37 (hg19) VCF-style: chr11-94153348-C-G.
Other names: c.2068-1G>C (NM_001330347.2); c.1987-1G>C (NM_005590.4).
Identifiers: ClinVar variation 1799996 (VCV001799996.2), dbSNP rs2496089812, ClinGen allele CA382372625.

ClinVar aggregate classification (germline): Uncertain significance (1 of 4 stars; one submission).

Conditions:
Hereditary cancer-predisposing syndrome. Also called: Neoplastic Syndromes, Hereditary; Tumor predisposition; Hereditary Cancer Syndrome; Hereditary neoplastic syndrome. Identifiers: Orphanet 140162, MedGen C0027672, MeSH D009386, MONDO:0015356.

Submission:

Ambry Genetics
Classification: Uncertain significance for Hereditary cancer-predisposing syndrome. Last evaluated: 2022-02-10. Review status: criteria provided, single submitter. Criteria: Ambry Variant Classification Scheme 2023. Collection method: clinical testing. Allele origin: germline.
Comment: The c.2071-1G>C intronic variant results from a G to C substitution one nucleotide upstream from coding exon 19 of the MRE11A gene. This alteration occurs at the 3' terminus of the MRE11A gene, is not expected to trigger nonsense-mediated mRNA decay, and only impacts the last 18 amino acids of the protein. The exact functional effect of this alteration is unknown. This nucleotide position is highly conserved in available vertebrate species. In silico splice site analysis predicts that this alteration will weaken the native splice acceptor site. Since supporting evidence is limited at this time, the clinical significance of this alteration remains unclear.